The following is an entry in ClinVar:

NM_025207.5(FLAD1):c.1266-1G>A

Gene: FLAD1 (flavin adenine dinucleotide synthetase 1; plus strand). Cytogenetic location: 1q21.3.
Variant type: single nucleotide variant.
Coding change: c.1266-1G>A on transcript NM_025207.5 (MANE Select); the canonical splice acceptor site of the intron before coding-DNA position 1266, G replaced by A.
Molecular consequence: splice acceptor variant.
Genome position (GRCh38, 1-based): chr1:154,990,158, G>A. VCF-style: chr1-154990158-G-A. GRCh37 (hg19) VCF-style: chr1-154962634-G-A.
Other names: c.975-1G>A (NM_001184891.2, NM_201398.3).
Identifiers: ClinVar variation 2124900 (VCV002124900.4), dbSNP rs2525791495, ClinGen allele CA342751419.

ClinVar aggregate classification (germline): Likely pathogenic (1 of 4 stars; one submission).

Submission:

Labcorp Genetics (formerly Invitae), Labcorp
Classification: Likely pathogenic. Last evaluated: 2024-11-11. Review status: criteria provided, single submitter. Criteria: Invitae Variant Classification Sherloc (09022015). Collection method: clinical testing. Allele origin: germline.
Comment: This sequence change affects an acceptor splice site in intron 3 of the FLAD1 gene. It is expected to disrupt RNA splicing. Variants that disrupt the donor or acceptor splice site typically lead to a loss of protein function (PMID: 16199547), and loss-of-function variants in FLAD1 are known to be pathogenic (PMID: 27259049). This variant is not present in population databases (gnomAD no frequency). This variant has not been reported in the literature in individuals affected with FLAD1-related conditions. ClinVar contains an entry for this variant (Variation ID: 2124900). Algorithms developed to predict the effect of sequence changes on RNA splicing suggest that this variant may disrupt the consensus splice site. In summary, the currently available evidence indicates that the variant is pathogenic, but additional data are needed to prove that conclusively. Therefore, this variant has been classified as Likely Pathogenic.

Literature cited by the submitters: PubMed 16199547; PubMed 27259049.